The following is an entry in ClinVar:

ClinVar aggregate classification (germline): Uncertain significance (1 of 4 stars; one submission).

Conditions:
Cardiomyopathy (CMYO). Also called: Cardiomyopathies. Identifiers: Orphanet 167848, MedGen C0878544, MONDO:0004994, HP:0001638. Inheritance: Various modes of inheritance.

Submission:

Color Diagnostics, LLC DBA Color Health
Classification: Uncertain significance for Cardiomyopathy. Last evaluated: 2024-03-06. Review status: criteria provided, single submitter. Criteria: ACMG Guidelines, 2015. Collection method: clinical testing. Allele origin: germline.
Comment: This missense variant replaces glutamic acid with glutamine at codon 574 of the MYH7 protein. Computational prediction tool is inconclusive regarding the impact of this variant on protein structure and function (internally defined REVEL score threshold 0.5 < inconclusive < 0.7, PMID: 27666373). Splice site prediction tools suggest that this variant may not impact RNA splicing. To our knowledge, functional studies have not been performed for this variant. This variant has not been reported in individuals affected with cardiovascular disorders in the literature. This variant has not been identified in the general population by the Genome Aggregation Database (gnomAD). The available evidence is insufficient to determine the role of this variant in disease conclusively. Therefore, this variant is classified as a Variant of Uncertain Significance.

NM_000257.4(MYH7):c.1720G>C (p.Glu574Gln)

Gene: MYH7 (myosin heavy chain 7; minus strand). Cytogenetic location: 14q11.2.
Variant type: single nucleotide variant.
Coding change: c.1720G>C on transcript NM_000257.4 (MANE Select); coding-DNA position 1720, G replaced by C.
Protein change: p.Glu574Gln; replaces glutamic acid 574 with glutamine.
Molecular consequence: missense variant.
Genome position (GRCh38, 1-based): chr14:23,427,753, C>G on the plus strand (G>C on the coding strand, the complement: MYH7 is on the minus strand). VCF-style: chr14-23427753-C-G. GRCh37 (hg19) VCF-style: chr14-23896962-C-G.
Other names: short protein forms E574Q.
Identifiers: ClinVar variation 925726 (VCV000925726.4), dbSNP rs1892752183, ClinGen allele CA389049959.